The following is an entry in ClinVar:

NM_198253.3(TERT):c.1009G>T (p.Asp337Tyr)

Gene: TERT (telomerase reverse transcriptase; minus strand). Cytogenetic location: 5p15.33.
Variant type: single nucleotide variant.
Coding change: c.1009G>T on transcript NM_198253.3 (MANE Select); coding-DNA position 1009, G replaced by T.
Protein change: p.Asp337Tyr; replaces aspartic acid 337 with tyrosine.
Molecular consequence: missense variant. On other transcripts: non-coding transcript variant (2).
Genome position (GRCh38, 1-based): chr5:1,293,877, C>A on the plus strand (G>T on the coding strand, the complement: TERT is on the minus strand). VCF-style: chr5-1293877-C-A. GRCh37 (hg19) VCF-style: chr5-1293992-C-A.
Other names: c.1009G>T, p.Asp337Tyr (NM_001193376.3); c.1009G>T (NM_198253.2); short protein forms D337Y.
Identifiers: ClinVar variation 1389077 (VCV001389077.7), dbSNP rs2126686381, ClinGen allele CA359055964.
Genomic context (GRCh38, chr5:1,293,877, plus strand): 5'-CGCCAGTCAGGCTGGGCCTCAGAGAGCTGAGTAGGAAGGAGGGCCGCAGCTGCTCCTTGT[C>A]GCCTGAGGAGTAGAGGAAGTGCTTGGTCTCGGCGTACACCGGGGGACAAGGCGTGTCCCA-3'
Protein context (NP_937983.2, residues 327-347): ETKHFLYSSG[Asp337Tyr]KEQLRPSFLL

ClinVar aggregate classification (germline): Uncertain significance. Review status: criteria provided, multiple submitters, no conflicts (2 of 4 stars). 2 submissions from 2 submitters: Uncertain significance (2). Last evaluated 2024-12-20.

Conditions:
Dyskeratosis congenita, autosomal dominant 2. Identifiers: MedGen C3151443, MONDO:0013521, OMIM 613989.
Idiopathic Pulmonary Fibrosis. Also called: Idiopathic fibrosing alveolitis, chronic form; idiopathic fibrosing alveolitis. Identifiers: Orphanet 2032, MedGen C1800706, MeSH D054990, MONDO:0800504.
Dyskeratosis congenita. Identifiers: Orphanet 1775, MedGen C0265965, MONDO:0015780.

Submissions (2):

Ambry Genetics
Classification: Uncertain significance for Dyskeratosis congenita. Last evaluated: 2024-12-20. Review status: criteria provided, single submitter. Criteria: Ambry Variant Classification Scheme 2023. Collection method: clinical testing. Allele origin: germline.
Comment: The p.D337Y variant (also known as c.1009G>T), located in coding exon 2 of the TERT gene, results from a G to T substitution at nucleotide position 1009. The aspartic acid at codon 337 is replaced by tyrosine, an amino acid with highly dissimilar properties. This amino acid position is conserved. In addition, this alteration is predicted to be tolerated by in silico analysis. Based on the available evidence, the clinical significance of this variant remains unclear.

Labcorp Genetics (formerly Invitae), Labcorp
Classification: Uncertain significance for Dyskeratosis congenita, autosomal dominant 2; Idiopathic Pulmonary Fibrosis. Last evaluated: 2021-10-24. Review status: criteria provided, single submitter. Criteria: Invitae Variant Classification Sherloc (09022015). Collection method: clinical testing. Allele origin: germline.
Comment: In summary, the available evidence is currently insufficient to determine the role of this variant in disease. Therefore, it has been classified as a Variant of Uncertain Significance. Advanced modeling of protein sequence and biophysical properties (such as structural, functional, and spatial information, amino acid conservation, physicochemical variation, residue mobility, and thermodynamic stability) performed at Invitae indicates that this missense variant is not expected to disrupt TERT protein function. This variant has not been reported in the literature in individuals affected with TERT-related conditions. This variant is not present in population databases (ExAC no frequency). This sequence change replaces aspartic acid with tyrosine at codon 337 of the TERT protein (p.Asp337Tyr). The aspartic acid residue is weakly conserved and there is a large physicochemical difference between aspartic acid and tyrosine.